The following is an entry in ClinVar:

ClinVar aggregate classification (germline): Uncertain significance. Review status: criteria provided, multiple submitters, no conflicts (2 of 4 stars). 2 submissions from 2 submitters: Uncertain significance (2). Last evaluated 2025-01-13.

Conditions:
Intellectual disability-severe speech delay-mild dysmorphism syndrome (IDDLA). Also called: FOXP1 Syndrome; Mental retardation with language impairment and autistic features; Intellectual developmental disorder with language impairment AND with or without autistic features. Identifiers: Orphanet 391372, MedGen C4013764, MONDO:0013352, OMIM 613670.

Allele frequency attached by ClinVar (database versions not stated): ExAC 0.00001; gnomAD 0.00001; TOPMed 0.00001; gnomAD exomes 0.00003.
gnomAD v4.1: 44 of 1,613,880 alleles (0.0027%); highest among the groups gnomAD compares: Non-Finnish European, 0.0034%; no homozygotes.

Submissions (2):

Labcorp Genetics (formerly Invitae), Labcorp
Classification: Uncertain significance. Last evaluated: 2025-01-13. Review status: criteria provided, single submitter. Criteria: Invitae Variant Classification Sherloc (09022015). Collection method: clinical testing. Allele origin: germline.
Comment: This sequence change replaces methionine, which is neutral and non-polar, with valine, which is neutral and non-polar, at codon 627 of the FOXP1 protein (p.Met627Val). This variant is present in population databases (rs754932182, gnomAD 0.003%). This variant has not been reported in the literature in individuals affected with FOXP1-related conditions. ClinVar contains an entry for this variant (Variation ID: 1929250). Invitae Evidence Modeling of protein sequence and biophysical properties (such as structural, functional, and spatial information, amino acid conservation, physicochemical variation, residue mobility, and thermodynamic stability) indicates that this missense variant is not expected to disrupt FOXP1 protein function with a negative predictive value of 80%. In summary, the available evidence is currently insufficient to determine the role of this variant in disease. Therefore, it has been classified as a Variant of Uncertain Significance.

Neuberg Centre For Genomic Medicine, NCGM
Classification: Uncertain significance for Intellectual disability-severe speech delay-mild dysmorphism syndrome. Last evaluated: 2023-05-20. Review status: criteria provided, single submitter. Criteria: ACMG Guidelines, 2015. Collection method: clinical testing. Allele origin: germline. Inheritance: Autosomal dominant inheritance. Affected: yes.
Comment: The observed missense c.1879A>G (p.Met627Val) variant in FOXP1 gene has not been reported previously as a pathogenic variant nor as a benign variant, to our knowledge. The p.Met627Val variant is present with allele frequency of 0.0004% in gnomAD Exomes. This variant has been submitted to the ClinVar database as Uncertain Signficance. Computational evidence (Polyphen - Benign, SIFT - Tolerated and MutationTaster - Disease causing) predicts conflicting evidence on protein structure and function for this variant. The reference amino acid of p.Met627Val in FOXP1 is predicted as conserved by PhyloP across 100 vertebrates. The amino acid Met at position 627 is changed to a Val changing protein sequence and it might alter its composition and physico-chemical properties. For these reasons, this variant has been classified as a Variant of Uncertain Significance (VUS).

NM_001349338.3(FOXP1):c.1879A>G (p.Met627Val)

Gene: FOXP1 (forkhead box P1; minus strand). Cytogenetic location: 3p13.
Variant type: single nucleotide variant.
Coding change: c.1879A>G on transcript NM_001349338.3 (MANE Select); coding-DNA position 1879, A replaced by G.
Protein change: p.Met627Val; replaces methionine 627 with valine.
Molecular consequence: missense variant. On other transcripts: non-coding transcript variant (2).
Genome position (GRCh38, 1-based): chr3:70,965,900, T>C on the plus strand (A>G on the coding strand, the complement: FOXP1 is on the minus strand). VCF-style: chr3-70965900-T-C. GRCh37 (hg19) VCF-style: chr3-71015051-T-C.
Other names: c.1876A>G, p.Met626Val (NM_001244808.3, NM_001349341.3); c.1927A>G, p.Met643Val (NM_001244810.2); c.1651A>G, p.Met551Val (NM_001244812.3); c.1579A>G, p.Met527Val (NM_001244813.3, NM_001244815.2, NM_001349342.3); c.1879A>G, p.Met627Val (NM_001244814.3, NM_001244816.2, NM_001349340.3 and 1 more transcripts); c.1576A>G, p.Met526Val (NM_001349337.2, NM_001349343.3, NM_001349344.3 and 1 more transcripts); short protein forms M627V, M643V, M626V, M526V, M527V, M551V.
Identifiers: ClinVar variation 1929250 (VCV001929250.6), dbSNP rs754932182, ClinGen allele CA2490806.